The following is an entry in ClinVar:

NM_002887.4(RARS1):c.1347-333C>G

Gene: RARS1 (arginyl-tRNA synthetase 1; plus strand). Cytogenetic location: 5q34.
Variant type: single nucleotide variant.
Coding change: c.1347-333C>G on transcript NM_002887.4 (MANE Select); 333 bases into the intron before coding-DNA position 1347, C replaced by G.
Molecular consequence: intron variant.
Genome position (GRCh38, 1-based): chr5:168,510,248, C>G. VCF-style: chr5-168510248-C-G. GRCh37 (hg19) VCF-style: chr5-167937253-C-G.
Identifiers: ClinVar variation 669551 (VCV000669551.1), dbSNP rs72830973, ClinGen allele CA15368001.

ClinVar aggregate classification (germline): Benign (1 of 4 stars; one submission).

Allele frequency attached by ClinVar (database versions not stated): 1000 Genomes Project 0.05970; gnomAD 0.12676 and 0.13098; 1000 Genomes Project 30x 0.06152; TOPMed 0.11600.
gnomAD v4.1: 19,381 of 152,222 alleles (13%); highest among the groups gnomAD compares: Non-Finnish European, 19%; 1,699 homozygotes.

Submission:

GeneDx
Classification: Benign. Last evaluated: 2018-06-16. Review status: criteria provided, single submitter. Criteria: GeneDx Variant Classification (06012015). Collection method: clinical testing. Allele origin: germline. Affected: yes.
Comment: This variant is considered likely benign or benign based on one or more of the following criteria: it is a conservative change, it occurs at a poorly conserved position in the protein, it is predicted to be benign by multiple in silico algorithms, and/or has population frequency not consistent with disease.